The following is an entry in ClinVar:

ClinVar aggregate classification (germline): Pathogenic. Review status: criteria provided, multiple submitters, no conflicts (2 of 4 stars). 10 submissions from 8 submitters: Pathogenic (6). 4 of the submissions do not count toward it. Last evaluated 2024-12-11.

Conditions:
Arthrogryposis, distal, type 2B3. Also called: Arthrogryposis, distal, type 2B3 (Sheldon-Hall). Identifiers: MedGen C5193098, MONDO:0032751, OMIM 618436.
MYH3-related disorder. Also called: MYH3-Related Disorders; MYH3-related condition. Identifiers: MedGen CN239329.
Freeman-Sheldon syndrome (DA2A). Also called: CRANIOCARPOTARSAL DYSPLASIA; CRANIOCARPOTARSAL DYSTROPHY; WHISTLING FACE-WINDMILL VANE HAND SYNDROME; Arthrogryposis, distal, type 2A (Freeman-Sheldon). Identifiers: Orphanet 2053, MedGen C0265224, MONDO:0008675, OMIM 193700.

Submissions (10):

GeneDx
Classification: Pathogenic. Last evaluated: 2024-12-11. Review status: criteria provided, single submitter. Criteria: GeneDx Variant Classification Process June 2021. Collection method: clinical testing. Allele origin: germline. Affected: yes.
Comment: Reported as a common pathogenic variant in association with with MYH3-related disorder, accounting for 19% of all mutation positive cases in one case series (PMID: 25256237); Published functional studies demonstrate a damaging effect of reducing MYH3 function (PMID: 30826400); Not observed at significant frequency in large population cohorts (gnomAD); This variant is associated with the following publications: (PMID: 31746383, 26544689, 29625835, 33249554, 33820833, 34203046, 33524372, 34695666, 34136434, 16642020, 25256237, 30826400)

3billion
Classification: Pathogenic for Arthrogryposis, distal, type 2B3. Last evaluated: 2024-03-07. Review status: criteria provided, single submitter. Criteria: ACMG Guidelines, 2015. Collection method: clinical testing. Allele origin: germline. Affected: yes.
Comment: The variant is not observed in the gnomAD v2.1.1 dataset. Predicted Consequence/Location: Missense variant In silico tool predictions suggest damaging effect of the variant on gene or gene product [REVEL: 0.94 (>=0.6, sensitivity 0.68 and specificity 0.92); 3Cnet: 0.54 (>=0.6, sensitivity 0.72 and precision 0.9)]. Same nucleotide change resulting in same amino acid change has been previously reported as pathogenic/likely pathogenic with strong evidence (ClinVar ID: VCV000014140 /PMID: 16642020). The variant has been previously reported as de novo in a similarly affected individual (PMID: 34136434). Therefore, this variant is classified as Pathogenic according to the recommendation of ACMG/AMP guideline.

Labcorp Genetics (formerly Invitae), Labcorp
Classification: Pathogenic. Last evaluated: 2023-04-10. Review status: criteria provided, single submitter. Criteria: Invitae Variant Classification Sherloc (09022015). Collection method: clinical testing. Allele origin: germline.
Comment: This missense change has been observed in individual(s) with autosomal dominant arthrogryposis multiplex congenita (PMID: 16642020, 34136434). In at least one individual the variant was observed to be de novo. This variant is not present in population databases (gnomAD no frequency). This sequence change replaces threonine, which is neutral and polar, with isoleucine, which is neutral and non-polar, at codon 178 of the MYH3 protein (p.Thr178Ile). An algorithm developed to predict the effect of missense changes on protein structure and function (PolyPhen-2) suggests that this variant is likely to be disruptive. For these reasons, this variant has been classified as Pathogenic. ClinVar contains an entry for this variant (Variation ID: 14140). This variant is also known as 602C->T.

Dasa
Classification: Pathogenic for MYH3-related disorder. Last evaluated: 2022-03-05. Review status: criteria provided, single submitter. Criteria: ACMG Guidelines, 2015. Collection method: clinical testing. Allele origin: germline. Affected: yes. Observed: 1 variant allele.
Comment: Well-established in vitro or in vivo functional studies supportive of a damaging effect on the gene or gene product (PMID: 30826400) - PS3_moderate.The c.533C>T;p.(Thr178Ile) missense variant has been observed in affected individual(s) and ClinVar contains an entry for this variant (ClinVar ID: 14140; PMID: 25256237; PMID: 30826400; PMID: 18695058) - PS4. The variant is located in a mutational hot spot and/or critical and well-established functional domain (Myosin_head) - PM1. This variant is not present in population databases (rs121913619- gnomAD; ABraOM no frequency) - PM2. The variant was assumed de novo, but without confirmation of paternity and maternity (PMID: 18695058) - PM6. Multiple lines of computational evidence support a deleterious effect on the gene or gene product - PP3. In summary, the currently available evidence indicates that the variant is pathogenic.

SIB Swiss Institute of Bioinformatics
Classification: Pathogenic for Freeman-Sheldon syndrome. Last evaluated: 2019-08-21. Review status: criteria provided, single submitter. Criteria: ACMG Guidelines, 2015. Collection method: curation. Allele origin: unknown.
Comment: This variant is interpreted as a Pathogenic for Arthrogryposis, distal, type 2A (Freeman-Sheldon), autosomal dominant. The following ACMG Tag(s) were applied: PP3, PM2, PS4-Supporting, PM1, PS3, PM6-Strong.

SIB Swiss Institute of Bioinformatics
Classification: Pathogenic for Arthrogryposis, distal, type 2B3. Last evaluated: 2019-08-21. Review status: criteria provided, single submitter. Criteria: ACMG Guidelines, 2015. Collection method: curation. Allele origin: unknown.
Comment: This variant is interpreted as a Pathogenic for Arthrogryposis, distal, type 2B3 (Sheldon-Hall), autosomal dominant. The following ACMG Tag(s) were applied: PP3, PM2, PS4-Supporting, PM1, PS3, PM6-Strong.

OMIM
Classification: Pathogenic for ARTHROGRYPOSIS, DISTAL, TYPE 2A. Last evaluated: 2008-08-01. Review status: no assertion criteria provided. Collection method: literature only. Allele origin: germline. Not counted in ClinVar's aggregate classification.

OMIM
Classification: Pathogenic for ARTHROGRYPOSIS, DISTAL, TYPE 2B3. Last evaluated: 2008-08-01. Review status: no assertion criteria provided. Collection method: literature only. Allele origin: germline. Not counted in ClinVar's aggregate classification.

Diagnostic Laboratory, Department of Genetics, University Medical Center Groningen
Classification: Pathogenic. Review status: no assertion criteria provided. Collection method: clinical testing. Allele origin: germline. Affected: yes. Study: VKGL Data-share Consensus. Not counted in ClinVar's aggregate classification.

Joint Genome Diagnostic Labs from Nijmegen and Maastricht, Radboudumc and MUMC+
Classification: Pathogenic. Review status: no assertion criteria provided. Collection method: clinical testing. Allele origin: germline. Affected: yes. Study: VKGL Data-share Consensus. Not counted in ClinVar's aggregate classification.

Literature cited by the submitters: PubMed 16642020 (cited by 4 submitters); PubMed 34136434 (cited by 3billion and Labcorp Genetics (formerly Invitae), Labcorp); PubMed 30826400 (cited by Dasa and SIB Swiss Institute of Bioinformatics); PubMed 25256237 (cited by Dasa); PubMed 18695058 (cited by 3 submitters).

NM_002470.4(MYH3):c.533C>T (p.Thr178Ile)

Gene: MYH3 (myosin heavy chain 3; minus strand). Cytogenetic location: 17p13.1.
Variant type: single nucleotide variant.
Coding change: c.533C>T on transcript NM_002470.4 (MANE Select); coding-DNA position 533, C replaced by T.
Protein change: p.Thr178Ile; replaces threonine 178 with isoleucine.
Molecular consequence: missense variant.
Genome position (GRCh38, 1-based): chr17:10,650,374, G>A on the plus strand (C>T on the coding strand, the complement: MYH3 is on the minus strand). VCF-style: chr17-10650374-G-A. GRCh37 (hg19) VCF-style: chr17-10553691-G-A.
Other names: c.533C>T (NM_002470.3); short protein forms T178I.
Identifiers: ClinVar variation 14140 (VCV000014140.17), dbSNP rs121913619, ClinGen allele CA123757.